The following is an entry in ClinVar:

ClinVar aggregate classification (germline): Uncertain significance (1 of 4 stars; one submission).

Conditions:
Cardiovascular phenotype. Identifiers: MedGen CN230736.

Submission:

Ambry Genetics
Classification: Uncertain significance for Cardiovascular phenotype. Last evaluated: 2022-12-31. Review status: criteria provided, single submitter. Criteria: Ambry Variant Classification Scheme 2023. Collection method: clinical testing. Allele origin: germline.
Comment: The p.D799V variant (also known as c.2396A>T), located in coding exon 9 of the RBM20 gene, results from an A to T substitution at nucleotide position 2396. The aspartic acid at codon 799 is replaced by valine, an amino acid with highly dissimilar properties. This amino acid position is conserved. In addition, this alteration is predicted to be tolerated by in silico analysis. Since supporting evidence is limited at this time, the clinical significance of this alteration remains unclear.

NM_001134363.3(RBM20):c.2396A>T (p.Asp799Val)

Gene: RBM20 (RNA binding motif protein 20; plus strand). Cytogenetic location: 10q25.2.
Variant type: single nucleotide variant.
Coding change: c.2396A>T on transcript NM_001134363.3 (MANE Select); coding-DNA position 2396, A replaced by T.
Protein change: p.Asp799Val; replaces aspartic acid 799 with valine.
Molecular consequence: missense variant.
Genome position (GRCh38, 1-based): chr10:110,812,793, A>T. VCF-style: chr10-110812793-A-T. GRCh37 (hg19) VCF-style: chr10-112572551-A-T.
Other names: short protein forms D799V.
Identifiers: ClinVar variation 2449391 (VCV002449391.2), dbSNP rs2493475770, ClinGen allele CA378373754.